The following is an entry in ClinVar:

ClinVar aggregate classification (germline): Uncertain significance (1 of 4 stars; one submission).

Allele frequency attached by ClinVar (database versions not stated): TOPMed below 0.00001; gnomAD 0.00001.
gnomAD v4.1: 3 of 1,603,258 alleles (0.00019%); highest among the groups gnomAD compares: African/African-American, 0.0013%; no homozygotes.

Submission:

Labcorp Genetics (formerly Invitae), Labcorp
Classification: Uncertain significance. Last evaluated: 2024-06-15. Review status: criteria provided, single submitter. Criteria: Invitae Variant Classification Sherloc (09022015). Collection method: clinical testing. Allele origin: germline.
Comment: This sequence change replaces arginine, which is basic and polar, with leucine, which is neutral and non-polar, at codon 904 of the PITPNM3 protein (p.Arg904Leu). This variant is not present in population databases (gnomAD no frequency). This variant has not been reported in the literature in individuals affected with PITPNM3-related conditions. Advanced modeling of protein sequence and biophysical properties (such as structural, functional, and spatial information, amino acid conservation, physicochemical variation, residue mobility, and thermodynamic stability) performed at Invitae indicates that this missense variant is not expected to disrupt PITPNM3 protein function with a negative predictive value of 80%. In summary, the available evidence is currently insufficient to determine the role of this variant in disease. Therefore, it has been classified as a Variant of Uncertain Significance.

NM_031220.4(PITPNM3):c.2711G>T (p.Arg904Leu)

Gene: PITPNM3 (PITPNM family member 3; minus strand). Cytogenetic location: 17p13.2.
Variant type: single nucleotide variant.
Coding change: c.2711G>T on transcript NM_031220.4 (MANE Select); coding-DNA position 2711, G replaced by T.
Protein change: p.Arg904Leu; replaces arginine 904 with leucine.
Molecular consequence: missense variant.
Genome position (GRCh38, 1-based): chr17:6,455,552, C>A on the plus strand (G>T on the coding strand, the complement: PITPNM3 is on the minus strand). VCF-style: chr17-6455552-C-A. GRCh37 (hg19) VCF-style: chr17-6358872-C-A.
Other names: c.2603G>T, p.Arg868Leu (NM_001165966.2); short protein forms R868L, R904L.
Identifiers: ClinVar variation 2914472 (VCV002914472.3), dbSNP rs759738734, ClinGen allele CA287301352.